The following is an entry in ClinVar:

NM_015691.5(WWC3):c.966G>C (p.Val322=)

Gene: WWC3 (WWC family member 3; plus strand). Cytogenetic location: Xp22.2.
Variant type: single nucleotide variant.
Coding change: c.966G>C on transcript NM_015691.5; coding-DNA position 966, G replaced by C.
Protein change: p.Val322=; no amino-acid change (valine 322 retained).
Molecular consequence: synonymous variant.
Genome position (GRCh38, 1-based): chrX:10,094,215, G>C. VCF-style: chrX-10094215-G-C. GRCh37 (hg19) VCF-style: chrX-10062255-G-C.
Identifiers: ClinVar variation 2659960 (VCV002659960.24), dbSNP rs1269892904, ClinGen allele CA515114834.

ClinVar aggregate classification (germline): Likely benign (1 of 4 stars; one submission).

Allele frequency attached by ClinVar (database versions not stated): TOPMed 0.00001; gnomAD 0.00002.

Submission:

CeGaT Center for Human Genetics Tuebingen
Classification: Likely benign. Last evaluated: 2022-07-01. Review status: criteria provided, single submitter. Criteria: CeGaT Center For Human Genetics Tuebingen Variant Classification Criteria Version 2. Collection method: clinical testing. Allele origin: germline. Affected: yes. Observed: 1 variant allele.
Comment: WWC3: BP4, BP7